The following is an entry in ClinVar:

ClinVar aggregate classification (germline): Pathogenic/Likely pathogenic. Review status: criteria provided, multiple submitters, no conflicts (2 of 4 stars). 2 submissions from 2 submitters: Pathogenic (1); Likely pathogenic (1). Last evaluated 2023-04-27.

Conditions:
Hereditary spastic paraplegia 11. Also called: SPASTIC PARAPLEGIA, AUTOSOMAL RECESSIVE, COMPLICATED, WITH THIN CORPUS CALLOSUM; SPASTIC PARAPLEGIA, AUTOSOMAL RECESSIVE, WITH MENTAL IMPAIRMENT AND THIN CORPUS CALLOSUM; Nakamura Osame syndrome; Autosomal recessive hereditary spastic paraplegia, mental impairment, and thin corpus callosum; Spastic paraplegia, mental retardation and thin corpus callosum; Spastic Paraplegia 11. Identifiers: Orphanet 2822, MedGen C1858479, MONDO:0011445, OMIM 604360.

Allele frequency attached by ClinVar (database versions not stated): gnomAD exomes 0.00001.
gnomAD v4.1: 9 of 1,613,722 alleles (0.00056%); highest among the groups gnomAD compares: Non-Finnish European, 0.00076%; no homozygotes.

Submissions (2):

Neurometabolic Diseases Laboratory, Bellvitge Biomedical Research Institute (IDIBELL)
Classification: Likely pathogenic for Hereditary spastic paraplegia 11. Last evaluated: 2023-04-27. Review status: criteria provided, single submitter. Criteria: ACMG Guidelines, 2015. Collection method: research. Allele origin: germline. Affected: yes.

Labcorp Genetics (formerly Invitae), Labcorp
Classification: Pathogenic for Hereditary spastic paraplegia 11. Last evaluated: 2022-11-01. Review status: criteria provided, single submitter. Criteria: Invitae Variant Classification Sherloc (09022015). Collection method: clinical testing. Allele origin: germline.
Comment: This variant is not present in population databases (gnomAD no frequency). This sequence change creates a premature translational stop signal (p.Lys2384*) in the SPG11 gene. While this is not anticipated to result in nonsense mediated decay, it is expected to disrupt the last 60 amino acid(s) of the SPG11 protein. This variant has not been reported in the literature in individuals affected with SPG11-related conditions. ClinVar contains an entry for this variant (Variation ID: 466567). Experimental studies and prediction algorithms are not available or were not evaluated, and the functional significance of this variant is currently unknown. This variant disrupts a region of the SPG11 protein in which other variant(s) (p.His2388Thrfs*6) have been determined to be pathogenic (Invitae). This suggests that this is a clinically significant region of the protein, and that variants that disrupt it are likely to be disease-causing. For these reasons, this variant has been classified as Pathogenic.

NM_025137.4(SPG11):c.7150A>T (p.Lys2384Ter)

Gene: SPG11 (SPG11 vesicle trafficking associated, spatacsin; minus strand). Cytogenetic location: 15q21.1.
Variant type: single nucleotide variant.
Coding change: c.7150A>T on transcript NM_025137.4 (MANE Select); coding-DNA position 7150, A replaced by T.
Protein change: p.Lys2384Ter; replaces lysine 2384 with a stop codon.
Molecular consequence: nonsense.
Genome position (GRCh38, 1-based): chr15:44,564,548, T>A on the plus strand (A>T on the coding strand, the complement: SPG11 is on the minus strand). VCF-style: chr15-44564548-T-A. GRCh37 (hg19) VCF-style: chr15-44856746-T-A.
Other names: c.6811A>T, p.Lys2271Ter (NM_001160227.2); c.6811A>T (NM_001160227.1); short protein forms K2384*, K2271*.
Identifiers: ClinVar variation 466567 (VCV000466567.36), dbSNP rs1555446078, ClinGen allele CA392212219.
Genomic context (GRCh38, chr15:44,564,548, plus strand): 5'-TTGTCTCACCTCAAAGCAGAGGCAAGGAGCAATGTTTACAGTCAACTTTTAATACTTACT[T>A]TTTGGAAATCTCTTCAAATATACTGGACTTTAATAACCTTTGCTGCTTAAATTCTTCCAA-3'